The following is an entry in ClinVar:

ClinVar aggregate classification (germline): Uncertain significance. Review status: criteria provided, single submitter (1 of 4 stars). 2 submissions from 2 submitters: Uncertain significance (1). 1 of the submissions does not count toward it. Last evaluated 2024-09-08.

Conditions:
Glucose-6-phosphate transport defect (GSD1B). Also called: Glycogen Storage Disease Type Ib; GSD Ib. Identifiers: Orphanet 364, Orphanet 79259, MedGen C0268146, MONDO:0009288, OMIM 232220.

Allele frequency attached by ClinVar (database versions not stated): gnomAD exomes below 0.00001.

Submissions (2):

Labcorp Genetics (formerly Invitae), Labcorp
Classification: Uncertain significance for Glucose-6-phosphate transport defect. Last evaluated: 2024-09-08. Review status: criteria provided, single submitter. Criteria: Invitae Variant Classification Sherloc (09022015). Collection method: clinical testing. Allele origin: germline.
Comment: This sequence change falls in intron 3 of the SLC37A4 gene. It does not directly change the encoded amino acid sequence of the SLC37A4 protein. It affects a nucleotide within the consensus splice site. The frequency data for this variant in the population databases is considered unreliable, as metrics indicate poor data quality at this position in the gnomAD database. This variant has not been reported in the literature in individuals affected with SLC37A4-related conditions. ClinVar contains an entry for this variant (Variation ID: 664596). Variants that disrupt the consensus splice site are a relatively common cause of aberrant splicing (PMID: 17576681, 9536098). Algorithms developed to predict the effect of sequence changes on RNA splicing suggest that this variant is not likely to affect RNA splicing. In summary, the available evidence is currently insufficient to determine the role of this variant in disease. Therefore, it has been classified as a Variant of Uncertain Significance.

Natera, Inc.
Classification: Uncertain significance for Glycogen storage disease type Ib. Last evaluated: 2020-12-07. Review status: no assertion criteria provided. Collection method: clinical testing. Allele origin: germline. Not counted in ClinVar's aggregate classification.

Literature cited by the submitters: PubMed 17576681 (cited by Labcorp Genetics (formerly Invitae), Labcorp); PubMed 9536098 (cited by Labcorp Genetics (formerly Invitae), Labcorp).

NM_001164277.2(SLC37A4):c.148+6C>T

Gene: SLC37A4 (solute carrier family 37 member 4; minus strand). Cytogenetic location: 11q23.3.
Variant type: single nucleotide variant.
Coding change: c.148+6C>T on transcript NM_001164277.2 (MANE Select); 6 bases into the intron after coding-DNA position 148, C replaced by T.
Molecular consequence: intron variant.
Genome position (GRCh38, 1-based): chr11:119,029,216, G>A on the plus strand (C>T on the coding strand, the complement: SLC37A4 is on the minus strand). VCF-style: chr11-119029216-G-A. GRCh37 (hg19) VCF-style: chr11-118899926-G-A.
Other names: c.-172+176C>T (NM_001164279.2); c.148+6C>T (NM_001467.6, NM_001164278.2, NM_001164280.2).
Identifiers: ClinVar variation 664596 (VCV000664596.11), dbSNP rs1565691594, ClinGen allele CA602577826.